The following is an entry in ClinVar:

NM_020964.3(EPG5):c.6526A>G (p.Ile2176Val)

Gene: EPG5 (ectopic P-granules 5 autophagy tethering factor; minus strand). Cytogenetic location: 18q12.3.
Variant type: single nucleotide variant.
Coding change: c.6526A>G on transcript NM_020964.3 (MANE Select); coding-DNA position 6526, A replaced by G.
Protein change: p.Ile2176Val; replaces isoleucine 2176 with valine.
Molecular consequence: missense variant.
Genome position (GRCh38, 1-based): chr18:45,866,893, T>C on the plus strand (A>G on the coding strand, the complement: EPG5 is on the minus strand). VCF-style: chr18-45866893-T-C. GRCh37 (hg19) VCF-style: chr18-43446858-T-C.
Other names: c.6526A>G (NM_020964.2); short protein forms I2176V.
Identifiers: ClinVar variation 1025926 (VCV001025926.10), dbSNP rs201095962, ClinGen allele CA8948245.

ClinVar aggregate classification (germline): Conflicting classifications of pathogenicity. Review status: criteria provided, conflicting classifications (1 of 4 stars). 4 submissions from 4 submitters: Uncertain significance (3); Likely benign (1). Last evaluated 2026-01-05.

Conditions:
Inborn genetic diseases. Identifiers: MedGen C0950123, MeSH D030342.
Vici syndrome (VICIS). Identifiers: Orphanet 1493, MedGen C1855772, MONDO:0009452, OMIM 242840.

Allele frequency attached by ClinVar (database versions not stated): gnomAD 0.00005 and 0.00006; ESP Exome Variant Server 0.00008; TOPMed 0.00008; gnomAD exomes 0.00010 and 0.00013; ExAC 0.00013.
gnomAD v4.1: 160 of 1,614,098 alleles (0.0099%); highest among the groups gnomAD compares: Admixed American, 0.042%; no homozygotes.

Submissions (4):

Labcorp Genetics (formerly Invitae), Labcorp
Classification: Uncertain significance for Vici syndrome. Last evaluated: 2026-01-05. Review status: criteria provided, single submitter. Criteria: Invitae Variant Classification Sherloc (09022015). Collection method: clinical testing. Allele origin: germline.
Comment: This sequence change replaces isoleucine, which is neutral and non-polar, with valine, which is neutral and non-polar, at codon 2176 of the EPG5 protein (p.Ile2176Val). This variant is present in population databases (rs201095962, gnomAD 0.05%). This variant has not been reported in the literature in individuals affected with EPG5-related conditions. ClinVar contains an entry for this variant (Variation ID: 1025926). Invitae Evidence Modeling of protein sequence and biophysical properties (such as structural, functional, and spatial information, amino acid conservation, physicochemical variation, residue mobility, and thermodynamic stability) indicates that this missense variant is not expected to disrupt EPG5 protein function with a negative predictive value of 80%. In summary, the available evidence is currently insufficient to determine the role of this variant in disease. Therefore, it has been classified as a Variant of Uncertain Significance.

Ambry Genetics
Classification: Uncertain significance for Inborn genetic diseases. Last evaluated: 2025-09-28. Review status: criteria provided, single submitter. Criteria: Ambry Variant Classification Scheme 2023. Collection method: clinical testing. Allele origin: germline.

GeneDx
Classification: Uncertain significance. Last evaluated: 2024-09-17. Review status: criteria provided, single submitter. Criteria: GeneDx Variant Classification Process June 2021. Collection method: clinical testing. Allele origin: germline. Affected: yes.
Comment: In silico analysis indicates that this missense variant does not alter protein structure/function; Has not been previously published as pathogenic or benign to our knowledge

Blueprint Genetics
Classification: Likely benign. Last evaluated: 2024-07-04. Review status: criteria provided, single submitter. Criteria: ACMG Guidelines, 2015. Collection method: clinical testing. Allele origin: germline.